The following is an entry in ClinVar:

NM_031844.3(HNRNPU):c.610A>G (p.Arg204Gly)

Gene: HNRNPU (heterogeneous nuclear ribonucleoprotein U; minus strand). Cytogenetic location: 1q44.
Variant type: single nucleotide variant.
Coding change: c.610A>G on transcript NM_031844.3 (MANE Select); coding-DNA position 610, A replaced by G.
Protein change: p.Arg204Gly; replaces arginine 204 with glycine.
Molecular consequence: missense variant.
Genome position (GRCh38, 1-based): chr1:244,863,698, T>C on the plus strand (A>G on the coding strand, the complement: HNRNPU is on the minus strand). VCF-style: chr1-244863698-T-C. GRCh37 (hg19) VCF-style: chr1-245027000-T-C.
Other names: c.610A>G, p.Arg204Gly (NM_004501.3); short protein forms R204G.
Identifiers: ClinVar variation 1502922 (VCV001502922.8), dbSNP rs2102990496, ClinGen allele CA345496354.
Genomic context (GRCh38, chr1:244,863,698, plus strand): 5'-GACCGCCGCCTCCGCCGCCTTCCGCCTTCTTCTTACCTCCCGCCTGCTGCTGGCCCTGCC[T>C]CGCCCCGGGCGGCGCCACCGTCACCGCGAACAGCGAGGTGGGGCCGCTGCTCTTCCCCGC-3'
Protein context (NP_114032.2, residues 194-214): FAVTVAPPGA[Arg204Gly]QGQQQAGGKK

ClinVar aggregate classification (germline): Uncertain significance (1 of 4 stars; one submission).

Conditions:
Developmental and epileptic encephalopathy, 54. Also called: Epileptic encephalopathy, early infantile, 54; HNRNPU-Related Neurodevelopmental Disorder. Identifiers: MedGen C4479319, MONDO:0033363, OMIM 617391.

Submission:

Labcorp Genetics (formerly Invitae), Labcorp
Classification: Uncertain significance for Developmental and epileptic encephalopathy, 54. Last evaluated: 2021-07-02. Review status: criteria provided, single submitter. Criteria: Invitae Variant Classification Sherloc (09022015). Collection method: clinical testing. Allele origin: germline.
Comment: In summary, the available evidence is currently insufficient to determine the role of this variant in disease. Therefore, it has been classified as a Variant of Uncertain Significance. Algorithms developed to predict the effect of missense changes on protein structure and function (SIFT, PolyPhen-2, Align-GVGD) all suggest that this variant is likely to be tolerated. This variant has not been reported in the literature in individuals affected with HNRNPU-related conditions. This variant is not present in population databases (ExAC no frequency). This sequence change replaces arginine with glycine at codon 204 of the HNRNPU protein (p.Arg204Gly). The arginine residue is weakly conserved and there is a moderate physicochemical difference between arginine and glycine.